The following is an entry in ClinVar:

NM_024334.3(TMEM43):c.901C>G (p.Leu301Val)

Gene: TMEM43 (transmembrane protein 43; plus strand). Cytogenetic location: 3p25.1.
Variant type: single nucleotide variant.
Coding change: c.901C>G on transcript NM_024334.3 (MANE Select); coding-DNA position 901, C replaced by G.
Protein change: p.Leu301Val; replaces leucine 301 with valine.
Molecular consequence: missense variant.
Genome position (GRCh38, 1-based): chr3:14,139,198, C>G. VCF-style: chr3-14139198-C-G. GRCh37 (hg19) VCF-style: chr3-14180698-C-G.
Other names: c.904C>G, p.Leu302Val (NM_001407274.1); c.898C>G, p.Leu300Val (NM_001407275.1, NM_001407276.1); c.895C>G, p.Leu299Val (NM_001407277.1); c.886C>G, p.Leu296Val (NM_001407278.1); c.826C>G, p.Leu276Val (NM_001407279.1); c.751C>G, p.Leu251Val (NM_001407280.1); short protein forms L296V, L299V, L300V, L301V, L302V, L251V, L276V.
Identifiers: ClinVar variation 3070313 (VCV003070313.1), dbSNP rs2470196645, ClinGen allele CA351536114.
Genomic context (GRCh38, chr3:14,139,198, plus strand): 5'-CTGGCCCTCAGCATCCTGACCTGCCCCCACCTTGTCCTGCAGGAGGTGTTTCATAGAGAA[C>G]TAAGGAGCAACTCCATGAAGACCTGGGGCCTGCGGGCAGCTGGCTGGATGGCCATGTTCA-3'
Protein context (NP_077310.1, residues 291-311): FSAEEVFHRE[Leu301Val]RSNSMKTWGL

ClinVar aggregate classification (germline): Uncertain significance (1 of 4 stars; one submission).

Conditions:
Arrhythmogenic right ventricular dysplasia 5. Also called: Arrhythmogenic Right Ventricular Dysplasia/Cardiomyopathy 5; ARRHYTHMOGENIC RIGHT VENTRICULAR DYSPLASIA, FAMILIAL, 5. Identifiers: MedGen C1858379, MONDO:0011459, OMIM 604400.

Submission:

All of Us Research Program, National Institutes of Health
Classification: Uncertain significance for Arrhythmogenic right ventricular dysplasia 5. Last evaluated: 2023-04-03. Review status: criteria provided, single submitter. Criteria: ACMG Guidelines, 2015. Collection method: clinical testing. Allele origin: germline. Inheritance: Autosomal dominant inheritance. Observed: 1 variant allele, 1 heterozygote.
Comment: This missense variant replaces leucine with valine at codon 301 of the TMEM43 protein. Computational prediction suggests that this variant may not impact protein structure and function (internally defined REVEL score threshold <= 0.5, PMID: 27666373). To our knowledge, functional studies have not been reported for this variant. This variant has not been reported in individuals affected with TMEM43-related disorders in the literature. This variant has not been identified in the general population by the Genome Aggregation Database (gnomAD). The available evidence is insufficient to determine the role of this variant in disease conclusively. Therefore, this variant is classified as a Variant of Uncertain Significance.

This study involves interpretation of variants in research participants for the purpose of population health screening. Participant phenotype was not available at the time of variant classification. Additional details can be found in publication PMID: 35346344, PMCID: PMC8962531